The following is an entry in ClinVar:

NM_000419.5(ITGA2B):c.2637del (p.Ile880fs)

Gene: ITGA2B (integrin subunit alpha 2b; minus strand). Cytogenetic location: 17q21.31.
Variant type: Deletion.
Coding change: c.2637del on transcript NM_000419.5 (MANE Select); coding-DNA position 2637, one base deleted (C; older notation c.2637delC).
Protein change: p.Ile880fs; shifts the reading frame from isoleucine 880.
Molecular consequence: frameshift variant.
Genome position (GRCh38, 1-based): chr17:44,375,681, G deleted on the plus strand (C on the coding strand, the reverse complement: ITGA2B is on the minus strand); the first of 5 consecutive G bases (chr17:44,375,681-44,375,685); deleting any one gives the same sequence. VCF-style (leftmost placement, unchanged base first): chr17-44375680-TG-T. GRCh37 (hg19) VCF-style: chr17-42453048-TG-T.
Other names: c.2637delC (NM_000419.5); short protein forms I880fs.
Identifiers: ClinVar variation 996203 (VCV000996203.3), dbSNP rs2048535487, ClinGen allele CA915940297.

ClinVar aggregate classification (germline): Pathogenic. Review status: reviewed by expert panel (3 of 4 stars). 2 submissions from 2 submitters: Pathogenic (1). 1 of the submissions does not count toward it. Last evaluated 2020-10-13.

Conditions:
Glanzmann thrombasthenia 1 (GT1). Also called: BLEEDING DISORDER, PLATELET-TYPE, 2; GP IIb-IIIa COMPLEX DEFICIENCY; GLYCOPROTEIN COMPLEX IIb-IIIa DEFICIENCY; PLATELET FIBRINOGEN RECEPTOR DEFICIENCY. Identifiers: MedGen CN300358, MONDO:0031332, OMIM 273800.
Glanzmann thrombasthenia. Also called: THROMBASTHENIA OF GLANZMANN AND NAEGELI; Glanzmann's thrombasthenia; Thrombasthenia; PLATELET GLYCOPROTEIN IIb-IIIa DEFICIENCY. Identifiers: Orphanet 849, MedGen C0040015, MONDO:0100326.

Submissions (2):

ClinGen Platelet Disorders Variant Curation Expert Panel, ClinGen
Classification: Pathogenic for Glanzmann thrombasthenia. Last evaluated: 2020-10-13. Review status: reviewed by expert panel. Criteria: ClinGen Platelet ACMG Specifications v2. Collection method: curation. Allele origin: germline. Inheritance: Autosomal recessive inheritance.
Comment: The ITGA2B frameshift variant NM_000419.5:c.2637del (p.Ile880PhefsTer?) is expected to introduce a premature termination codon 30 amino acids downstream and the resulting mRNA product is predicted to undergo nonsense mediated decay, leading to loss of normal protein function. This variant has been observed in compound heterozygosity with a pathogenic ITGA2B variant in an individual with a phenotype specific for Glanzmann's thrombasthenia (GT) (GT-5, PMID: 25539746). Furthermore, this variant is absent from population databases. In summary, this variant meets criteria to be classified as pathogenic for GT. GT-specific criteria applied: PVS1, PM3, PP4_moderate, PM2_supporting.

ISTH-SSC Genomics in Thrombosis and Hemostasis, KU Leuven, Center for Molecular and Vascular Biology
Classification: Pathogenic for Glanzmann thrombasthenia 1. Review status: no assertion criteria provided. Collection method: research. Allele origin: germline. Affected: yes. Not counted in ClinVar's aggregate classification.
Comment: Submitted to GoldVariant by Jose María Bastida from Grupo Español de Alteraciones Plaquetarias Congénitas (GEAPC), Salamanca, Spain